The following is an entry in ClinVar:

NM_024577.4(SH3TC2):c.3779T>G (p.Ile1260Ser)

Gene: SH3TC2 (SH3 domain and tetratricopeptide repeats 2; minus strand). Cytogenetic location: 5q32.
Variant type: single nucleotide variant.
Coding change: c.3779T>G on transcript NM_024577.4 (MANE Select); coding-DNA position 3779, T replaced by G.
Protein change: p.Ile1260Ser; replaces isoleucine 1260 with serine.
Molecular consequence: missense variant.
Genome position (GRCh38, 1-based): chr5:149,004,799, A>C on the plus strand (T>G on the coding strand, the complement: SH3TC2 is on the minus strand). VCF-style: chr5-149004799-A-C. GRCh37 (hg19) VCF-style: chr5-148384362-A-C.
Other names: short protein forms I1260S.
Identifiers: ClinVar variation 952822 (VCV000952822.9), dbSNP rs1753657850, ClinGen allele CA361663414.

ClinVar aggregate classification (germline): Uncertain significance (1 of 4 stars; one submission).

Conditions:
Charcot-Marie-Tooth disease type 4. Also called: Charcot-Marie-Tooth disease, type IV; Charcot-Marie-Tooth, Type 4. Identifiers: Orphanet 64749, MedGen C4082197, MONDO:0018995.

gnomAD v4.1: 1 of 1,614,118 alleles (0.000062%); highest among the groups gnomAD compares: Non-Finnish European, 0.000085%; no homozygotes.

Submission:

Labcorp Genetics (formerly Invitae), Labcorp
Classification: Uncertain significance for Charcot-Marie-Tooth disease type 4. Last evaluated: 2020-02-15. Review status: criteria provided, single submitter. Criteria: Invitae Variant Classification Sherloc (09022015). Collection method: clinical testing. Allele origin: germline.
Comment: This sequence change replaces isoleucine with serine at codon 1260 of the SH3TC2 protein (p.Ile1260Ser). The isoleucine residue is highly conserved and there is a large physicochemical difference between isoleucine and serine. This variant is not present in population databases (ExAC no frequency). This variant has not been reported in the literature in individuals with SH3TC2-related conditions. Algorithms developed to predict the effect of missense changes on protein structure and function (SIFT, PolyPhen-2, Align-GVGD) all suggest that this variant is likely to be tolerated, but these predictions have not been confirmed by published functional studies and their clinical significance is uncertain. In summary, the available evidence is currently insufficient to determine the role of this variant in disease. Therefore, it has been classified as a Variant of Uncertain Significance.